The following is an entry in ClinVar:

ClinVar aggregate classification (germline): Likely benign (0 of 4 stars; one submission).

Conditions:
BCAM-related disorder. Also called: BCAM-related condition.

Allele frequency attached by ClinVar (database versions not stated): ESP Exome Variant Server 0.00094; TOPMed 0.00148; 1000 Genomes Project 0.00200; 1000 Genomes Project 30x 0.00234.
gnomAD v4.1: 328 of 1,406,906 alleles (0.023%); highest among the groups gnomAD compares: African/African-American, 0.42%; 1 homozygote.

Submission:

PreventionGenetics, part of Exact Sciences
Classification: Likely benign for BCAM-related condition. Last evaluated: 2019-08-12. Review status: no assertion criteria provided. Collection method: clinical testing. Allele origin: germline.
Comment: This variant is classified as likely benign based on ACMG/AMP sequence variant interpretation guidelines (Richards et al. 2015 PMID: 25741868, with internal and published modifications).

NM_005581.5(BCAM):c.1764-4C>T

Gene: BCAM (basal cell adhesion molecule (Lutheran blood group); plus strand). Cytogenetic location: 19q13.32.
Variant type: single nucleotide variant.
Coding change: c.1764-4C>T on transcript NM_005581.5 (MANE Select); 4 bases into the intron before coding-DNA position 1764, C replaced by T.
Molecular consequence: intron variant. On other transcripts: 3 prime UTR variant (1).
Genome position (GRCh38, 1-based): chr19:44,820,701, C>T. VCF-style: chr19-44820701-C-T. GRCh37 (hg19) VCF-style: chr19-45323958-C-T.
Other names: c.*971C>T (NM_001013257.2).
Identifiers: ClinVar variation 3035797 (VCV003035797.2), dbSNP rs200801658, ClinGen allele CA9504948.
Genomic context (GRCh38, chr19:44,820,701, plus strand): 5'-AGTTCCTCCCCCTGCCGTGTGCACCTCCAACACGACGCCTCCGCCCGCTGCCTCCTCCCC[C>T]CAGGCCGCCAGGGGAGCCAGGGCTGAGCCACTCGGGGTCGGAGCAACCAGAGCAGACCGG-3'